The following is an entry in ClinVar:

ClinVar aggregate classification (germline): Pathogenic (1 of 4 stars; one submission).

Conditions:
Cohen syndrome (COH1). Also called: PEPPER SYNDROME; Cutis verticis gyrata, retinitis pigmentosa, and sensorineural deafness. Identifiers: Orphanet 193, MedGen C0265223, MONDO:0008999, OMIM 216550.

Submission:

Myriad Genetics, Inc.
Classification: Pathogenic for Cohen syndrome. Last evaluated: 2023-08-18. Review status: criteria provided, single submitter. Criteria: Myriad Autosomal Dominant, Autosomal Recessive and X-Linked Classification Criteria (2023). Collection method: clinical testing. Allele origin: unknown.
Comment: NM_017890.4(VPS13B):c.3979C>T(Q1327*) is expected to be pathogenic in the context of Cohen syndrome. This variant is predicted to lead to an abnormal or absent protein product due to the creation of a premature termination codon in VPS13B, a gene where loss-of-function variants are known to be pathogenic. Please note: this variant was assessed in the context of healthy population screening.

NM_152564.5(VPS13B):c.3979C>T (p.Gln1327Ter)

Gene: VPS13B (vacuolar protein sorting 13 homolog B; plus strand). Cytogenetic location: 8q22.2.
Variant type: single nucleotide variant.
Coding change: c.3979C>T on transcript NM_152564.5 (MANE Select); coding-DNA position 3979, C replaced by T.
Protein change: p.Gln1327Ter; replaces glutamine 1327 with a stop codon.
Molecular consequence: nonsense.
Genome position (GRCh38, 1-based): chr8:99,501,795, C>T. VCF-style: chr8-99501795-C-T. GRCh37 (hg19) VCF-style: chr8-100514023-C-T.
Other names: c.3979C>T, p.Gln1327Ter (NM_017890.5); short protein forms Q1327*.
Identifiers: ClinVar variation 5013012 (VCV005013012.1).